The following is an entry in ClinVar:

NM_172351.3(CD46):c.637A>C (p.Asn213His)

Gene: CD46 (CD46 molecule; plus strand). Cytogenetic location: 1q32.2.
Variant type: single nucleotide variant.
Coding change: c.637A>C on transcript NM_172351.3 (MANE Select); coding-DNA position 637, A replaced by C.
Protein change: p.Asn213His; replaces asparagine 213 with histidine.
Molecular consequence: missense variant.
Genome position (GRCh38, 1-based): chr1:207,761,410, A>C. VCF-style: chr1-207761410-A-C. GRCh37 (hg19) VCF-style: chr1-207934755-A-C.
Other names: c.637A>C, p.Asn213His (NM_002389.4, NM_153826.4, NM_172350.3 and 8 more transcripts); short protein forms N213H.
Identifiers: ClinVar variation 3704533 (VCV003704533.2).

ClinVar aggregate classification (germline): Uncertain significance (1 of 4 stars; one submission).

gnomAD v4.1: 6 of 1,614,008 alleles (0.00037%); highest among the groups gnomAD compares: East Asian, 0.013%; no homozygotes.

Submission:

Labcorp Genetics (formerly Invitae), Labcorp
Classification: Uncertain significance. Last evaluated: 2024-11-08. Review status: criteria provided, single submitter. Criteria: Invitae Variant Classification Sherloc (09022015). Collection method: clinical testing. Allele origin: germline.
Comment: This sequence change replaces asparagine, which is neutral and polar, with histidine, which is basic and polar, at codon 213 of the CD46 protein (p.Asn213His). This variant is present in population databases (rs758583142, gnomAD 0.03%). This variant has not been reported in the literature in individuals affected with CD46-related conditions. Invitae Evidence Modeling of protein sequence and biophysical properties (such as structural, functional, and spatial information, amino acid conservation, physicochemical variation, residue mobility, and thermodynamic stability) indicates that this missense variant is not expected to disrupt CD46 protein function with a negative predictive value of 80%. In summary, the available evidence is currently insufficient to determine the role of this variant in disease. Therefore, it has been classified as a Variant of Uncertain Significance.